The following is an entry in ClinVar:

ClinVar aggregate classification (germline): Uncertain significance. Review status: criteria provided, multiple submitters, no conflicts (2 of 4 stars). 2 submissions from 2 submitters: Uncertain significance (2). Last evaluated 2022-07-11.

Conditions:
Autosomal recessive limb-girdle muscular dystrophy type 2D (LGMDR3). Also called: DUCHENNE-LIKE AUTOSOMAL RECESSIVE MUSCULAR DYSTROPHY, TYPE 2; MUSCULAR DYSTROPHY, LIMB-GIRDLE, AUTOSOMAL RECESSIVE 3; ADHALINOPATHY, PRIMARY. Identifiers: Orphanet 62, MedGen C2936332, MONDO:0011968, OMIM 608099. Disease mechanism: Affects gamma-sarcoglycan and also disrupts the integrity of the entire sarcoglycan complex..

Allele frequency attached by ClinVar (database versions not stated): gnomAD exomes below 0.00001.

Submissions (2):

Labcorp Genetics (formerly Invitae), Labcorp
Classification: Uncertain significance for Autosomal recessive limb-girdle muscular dystrophy type 2D. Last evaluated: 2022-07-11. Review status: criteria provided, single submitter. Criteria: Invitae Variant Classification Sherloc (09022015). Collection method: clinical testing. Allele origin: germline.
Comment: This sequence change replaces aspartic acid, which is acidic and polar, with asparagine, which is neutral and polar, at codon 126 of the SGCA protein (p.Asp126Asn). This variant is not present in population databases (gnomAD no frequency). This variant has not been reported in the literature in individuals affected with SGCA-related conditions. ClinVar contains an entry for this variant (Variation ID: 952755). Advanced modeling of protein sequence and biophysical properties (such as structural, functional, and spatial information, amino acid conservation, physicochemical variation, residue mobility, and thermodynamic stability) performed at Invitae indicates that this missense variant is expected to disrupt SGCA protein function. In summary, the available evidence is currently insufficient to determine the role of this variant in disease. Therefore, it has been classified as a Variant of Uncertain Significance.

Revvity Omics, Revvity
Classification: Uncertain significance for Autosomal recessive limb-girdle muscular dystrophy type 2D. Last evaluated: 2020-12-11. Review status: criteria provided, single submitter. Criteria: ACMG Guidelines, 2015. Collection method: clinical testing. Allele origin: germline.

NM_000023.4(SGCA):c.376G>A (p.Asp126Asn)

Gene: SGCA (sarcoglycan alpha; plus strand). Cytogenetic location: 17q21.33.
Variant type: single nucleotide variant.
Coding change: c.376G>A on transcript NM_000023.4 (MANE Select); coding-DNA position 376, G replaced by A.
Protein change: p.Asp126Asn; replaces aspartic acid 126 with asparagine.
Molecular consequence: missense variant. On other transcripts: non-coding transcript variant (1).
Genome position (GRCh38, 1-based): chr17:50,168,010, G>A. VCF-style: chr17-50168010-G-A. GRCh37 (hg19) VCF-style: chr17-48245371-G-A.
Other names: c.376G>A, p.Asp126Asn (NM_001135697.3); short protein forms D126N.
Identifiers: ClinVar variation 952755 (VCV000952755.9), dbSNP rs1905070029, ClinGen allele CA400178933.
Genomic context (GRCh38, chr17:50,168,010, plus strand): 5'-ACAGCCTACAATCGGGACAGCTTTGATACCACTCGGCAGAGGCTGGTGCTGGAGATTGGG[G>A]ACCCAGAAGGTACCTCTAGCTGTGCCCCATCCCTTCCCCACCAATGCCAGTCTTGGGGAA-3'
Protein context (NP_000014.1, residues 116-136): TRQRLVLEIG[Asp126Asn]PEGPLLPYQA